The following is an entry in ClinVar:

NM_007294.4(BRCA1):c.4159T>C (p.Ser1387Pro)

Gene: BRCA1 (BRCA1 DNA repair associated; minus strand). Cytogenetic location: 17q21.31.
Variant type: single nucleotide variant.
Coding change: c.4159T>C on transcript NM_007294.4 (MANE Select); coding-DNA position 4159, T replaced by C.
Protein change: p.Ser1387Pro; replaces serine 1387 with proline.
Molecular consequence: missense variant. On other transcripts: non-coding transcript variant (1).
Genome position (GRCh38, 1-based): chr17:43,090,970, A>G on the plus strand (T>C on the coding strand, the complement: BRCA1 is on the minus strand). VCF-style: chr17-43090970-A-G. GRCh37 (hg19) VCF-style: chr17-41242987-A-G.
Other names: NM_007294.4(BRCA1):c.4159T>C; p.Ser1387Pro; c.4159T>C, p.Ser1387Pro (NM_001407582.1, NM_001407583.1, NM_001407585.1 and 30 more transcripts); c.4156T>C, p.Ser1386Pro (NM_001407587.1, NM_001407590.1, NM_001407591.1 and 22 more transcripts); c.4150T>C, p.Ser1384Pro (NM_001407646.1, NM_001407647.1); c.4036T>C, p.Ser1346Pro (NM_001407648.1, NM_001407667.1, NM_001407668.1 and 19 more transcripts); c.4033T>C, p.Ser1345Pro (NM_001407649.1, NM_001407670.1, NM_001407671.1 and 11 more transcripts); c.4081T>C, p.Ser1361Pro (NM_001407653.1, NM_001407654.1, NM_001407655.1 and 4 more transcripts); and 43 more; short protein forms S1387P, S1340P, S284P, S1091P, S116P, S1298P, S1299P, S1316P.
Identifiers: ClinVar variation 224433 (VCV000224433.24), dbSNP rs876658221, ClinGen allele CA10575944.

ClinVar aggregate classification (germline): Likely benign. Review status: reviewed by expert panel (3 of 4 stars). 10 submissions from 10 submitters: Likely benign (1). 9 of the submissions do not count toward it. Last evaluated 2025-05-23.

Conditions:
Hereditary cancer-predisposing syndrome. Also called: Tumor predisposition; Hereditary Cancer Syndrome; Neoplastic Syndromes, Hereditary; Hereditary neoplastic syndrome. Identifiers: Orphanet 140162, MedGen C0027672, MeSH D009386, MONDO:0015356.
Breast neoplasm. Also called: Breast Neoplasms; Neoplasm of the breast; Neoplasm of breast; Breast tumor. Identifiers: MedGen C1458155, MeSH D001943, MONDO:0021100, HP:0100013. Disease mechanism: gain of function.
Hereditary breast ovarian cancer syndrome. Also called: Breast and ovarian cancer; Hereditary breast and ovarian cancer; Hereditary breast and ovarian cancer syndrome; Hereditary breast and/or ovarian cancer syndrome; BRCA1- and BRCA2-Associated Hereditary Breast and Ovarian Cancer; Hereditary breast and ovarian cancer syndrome (HBOC). Identifiers: Orphanet 145, MedGen C0677776, MeSH D061325, MONDO:0003582. Disease mechanism: loss of function.
Breast-ovarian cancer, familial, susceptibility to, 1 (BROVCA1). Also called: BRCA1 Hereditary Breast and Ovarian Cancer; OVARIAN CANCER, SUSCEPTIBILITY TO. Identifiers: Orphanet 145, MedGen C2676676, MONDO:0011450, OMIM 604370. Disease mechanism: loss of function.
BRCA1-related cancer predisposition. Identifiers: MedGen CN377757, MONDO:0700268.
Ovarian cancer. Also called: OVARIAN CANCER, SOMATIC. Identifiers: Orphanet 213500, MedGen C1140680, MONDO:0008170, OMIM 167000.

Allele frequency attached by ClinVar (database versions not stated): gnomAD exomes below 0.00001; TOPMed below 0.00001.
gnomAD v4.1: 2 of 1,612,348 alleles (0.00012%); highest among the groups gnomAD compares: Non-Finnish European, 0.00017%; no homozygotes.

Submissions (10):

ClinGen ENIGMA BRCA1 and BRCA2 Variant Curation Expert Panel, ClinGen
Classification: Likely benign for BRCA1-related cancer predisposition. Last evaluated: 2025-05-23. Review status: reviewed by expert panel. Criteria: CSpec BRCA1/2ACMG Rules Specifications V1.2. Collection method: curation. Allele origin: germline. Inheritance: Autosomal dominant inheritance.
Comment: The c.4159T>C variant in BRCA1 is a missense variant predicted to cause substitution of serine by proline at amino acid 1387 (p.Ser1387Pro). This variant is present in gnomAD v2.1 (exomes only, non-cancer subset) or gnomAD v3.1 (non-cancer subset) but is below the ENIGMA BRCA1/2 VCEP threshold >0.00002 for BS1_Supporting (PM2_Supporting, BS1, and BA1 are not met). This missense variant is located outside of a key functional domain and was not predicted to alter mRNA splicing using SpliceAI (score 0.00, score threshold ≤0.1) (BP1_Strong met). Multifactorial likelihood ratio analysis using clinically calibrated data produced a combined LR for this variant of 0.364 (based on Family History LR=0.364), within the thresholds for supporting benign evidence (LR >0.23 & ≤0.48) (BP5 met; PMID 31853058). In summary, this variant meets the criteria to be classified as a likely benign variant for BRCA1-related cancer predisposition based on the ACMG/AMP criteria applied as specified by the ENIGMA BRCA1/2 VCEP (BP1_Strong, BP5).

Ambry Genetics
Classification: Uncertain significance for Hereditary cancer-predisposing syndrome. Last evaluated: 2025-06-22. Review status: criteria provided, single submitter. Criteria: Ambry Variant Classification Scheme 2023. Collection method: clinical testing. Allele origin: germline. Not counted in ClinVar's aggregate classification.
Comment: The p.S1387P variant (also known as c.4159T>C), located in coding exon 10 of the BRCA1 gene, results from a T to C substitution at nucleotide position 4159. The serine at codon 1387 is replaced by proline, an amino acid with similar properties. This alteration was observed with an allele frequency of 0.00014 in 7,051 unselected female breast cancer patients and was observed with an allele frequency of 0.00018 in 11,241 female controls of Japanese ancestry. In addition, it was not observed in unselected male breast cancer patients and was observed with an allele frequency of 0.0002 in 12490 male controls of Japanese ancestry (Momozawa Y et al. Nat Commun. 2018 10;9:4083). This alteration was also identified in a cohort of Chinese patients at high risk to have hereditary breast and ovarian cancer predisposition (Shao D et al. Cancer Sci. 2020 Feb;111:647-657), as well as in 1/507 unselected Chinese breast cancer patients (Zhong X et al. PLoS ONE. 2016 Jun;11:e0156789). Another study reported that this variant was not found in 7636 unselected prostate cancer patients, but was present at an allele frequency of 0.00016 in 12,366 male controls of Japanese ancestry (Momozawa Y et al. J Natl Cancer Inst. 2020 Apr;112(4):369-376). Additionally, this alteration is located at a BRCA1 residue phosphorylated by ATM, which is required for induction of the S-phase checkpoint in response to DNA damage (Goldstein M et al. Cancer Res. 2015 Jul;75:2699-707; Xu B et al. Cancer Res. 2002 Aug;62:4588-91). However, one functional study reported that this alteration had similar levels of homology-directed repair activity to wild-type, and also had similar levels of colony formation to wild-type in the presence of cisplatin and olaparib (Foo TK et al. Cancer Res. 2021 Sep;81(18):4676-4684). This amino acid position is highly conserved in available vertebrate species. In addition, this alteration is predicted to be deleterious by in silico analysis. Since supporting evidence is limited at this time, the clinical significance of this alteration remains unclear.

Labcorp Genetics (formerly Invitae), Labcorp
Classification: Uncertain significance for Hereditary breast ovarian cancer syndrome. Last evaluated: 2025-05-11. Review status: criteria provided, single submitter. Criteria: Invitae Variant Classification Sherloc (09022015). Collection method: clinical testing. Allele origin: germline. Not counted in ClinVar's aggregate classification.
Comment: This sequence change replaces serine, which is neutral and polar, with proline, which is neutral and non-polar, at codon 1387 of the BRCA1 protein (p.Ser1387Pro). This variant is not present in population databases (gnomAD no frequency). This missense change has been observed in individual(s) with breast and/or ovarian cancer (PMID: 27257965, 30287823, 30702160). ClinVar contains an entry for this variant (Variation ID: 224433). Invitae Evidence Modeling of protein sequence and biophysical properties (such as structural, functional, and spatial information, amino acid conservation, physicochemical variation, residue mobility, and thermodynamic stability) indicates that this missense variant is expected to disrupt BRCA1 protein function with a positive predictive value of 80%. Experimental studies have shown that this missense change does not substantially affect BRCA1 function (PMID: 34301763). In summary, the available evidence is currently insufficient to determine the role of this variant in disease. Therefore, it has been classified as a Variant of Uncertain Significance.

Center for Genomic Medicine, Rigshospitalet, Copenhagen University Hospital
Classification: Likely benign. Last evaluated: 2025-03-04. Review status: criteria provided, single submitter. Criteria: ACMG Guidelines, 2015. Collection method: clinical testing. Allele origin: germline. Not counted in ClinVar's aggregate classification.

Baylor Genetics
Classification: Uncertain significance for Breast-ovarian cancer, familial, susceptibility to, 1. Last evaluated: 2023-12-28. Review status: criteria provided, single submitter. Criteria: ACMG Guidelines, 2015. Collection method: clinical testing. Allele origin: unknown. Not counted in ClinVar's aggregate classification.

All of Us Research Program, National Institutes of Health
Classification: Uncertain significance for Breast-ovarian cancer, familial, susceptibility to, 1. Last evaluated: 2023-12-18. Review status: criteria provided, single submitter. Criteria: ACMG Guidelines, 2015. Collection method: clinical testing. Allele origin: germline. Inheritance: Autosomal dominant inheritance. Observed: 3 variant alleles, 3 heterozygotes. Not counted in ClinVar's aggregate classification.
Comment: This missense variant replaces serine with proline at codon 1387 of the BRCA1 protein. Computational prediction suggests that this variant may not impact protein structure and function (internally defined REVEL score threshold <= 0.5, PMID: 27666373). To our knowledge, functional studies have not been reported for this variant. This variant has been reported in two individuals affected with breast cancer and in four unaffected individuals (PMID: 27257965, 30287823). This variant also has been reported in a prostate cancer and a pancreatic cancer case-control study in which it was only detected in unaffected individuals (PMID: 31214711, 32980694). This variant has been identified in 1/248290 chromosomes in the general population by the Genome Aggregation Database (gnomAD). The available evidence is insufficient to determine the role of this variant in disease conclusively. Therefore, this variant is classified as a Variant of Uncertain Significance.

This study involves interpretation of variants in research participants for the purpose of population health screening. Participant phenotype was not available at the time of variant classification. Additional details can be found in publication PMID: 35346344, PMCID: PMC8962531

Color Diagnostics, LLC DBA Color Health
Classification: Uncertain significance for Hereditary cancer-predisposing syndrome. Last evaluated: 2023-11-29. Review status: criteria provided, single submitter. Criteria: ACMG Guidelines, 2015. Collection method: clinical testing. Allele origin: germline. Not counted in ClinVar's aggregate classification.
Comment: This missense variant replaces serine with proline at codon 1387 of the BRCA1 protein. Computational prediction suggests that this variant may not impact protein structure and function. To our knowledge, functional studies have not been reported for this variant. This variant has been reported in at least two individuals affected with breast cancer and in four unaffected individuals (PMID: 27257965, 30287823). This variant also has been reported in a prostate cancer and a pancreatic cancer case-control study in which it was only detected in unaffected individuals (PMID: 31214711, 32980694). This variant has been identified in 1/248290 chromosomes in the general population by the Genome Aggregation Database (gnomAD). The available evidence is insufficient to determine the role of this variant in disease conclusively. Therefore, this variant is classified as a Variant of Uncertain Significance.

Laboratory of Molecular Epidemiology of Birth Defects, West China Second University Hospital, Sichuan University
Classification: Likely pathogenic for Ovarian cancer. Last evaluated: 2022-01-01. Review status: criteria provided, single submitter. Criteria: ACMG Guidelines, 2015. Collection method: clinical testing. Allele origin: germline. Affected: yes. Not counted in ClinVar's aggregate classification.

Laboratory of Molecular Diagnosis of Cancer, West China Hospital, Sichuan University
Classification: Uncertain significance for Breast neoplasm. Last evaluated: 2015-11-01. Review status: criteria provided, single submitter. Criteria: ACMG Guidelines, 2015. Collection method: research. Allele origin: germline. Affected: yes. Observed: 1 variant allele. Not counted in ClinVar's aggregate classification.

Counsyl
Classification: Uncertain significance for Breast-ovarian cancer, familial, susceptibility to, 1. Last evaluated: 2018-04-24. Review status: no assertion criteria provided. Collection method: clinical testing. Allele origin: unknown. Not counted in ClinVar's aggregate classification.

Literature cited by the submitters: PubMed 12183412 (cited by Ambry Genetics); PubMed 25939603 (cited by Ambry Genetics); PubMed 27257965 (cited by 6 submitters); PubMed 30287823 (cited by 4 submitters); PubMed 31214711 (cited by 3 submitters); PubMed 31742824 (cited by Ambry Genetics); PubMed 31825140 (cited by Ambry Genetics); PubMed 34301763 (cited by Ambry Genetics and Labcorp Genetics (formerly Invitae), Labcorp); PubMed 30702160 (cited by Labcorp Genetics (formerly Invitae), Labcorp); PubMed 32980694 (cited by All of Us Research Program, National Institutes of Health and Color Diagnostics, LLC DBA Color Health).